The following is an entry in ClinVar:

NM_000455.5(STK11):c.1051G>T (p.Glu351Ter)

Genes: STK11 (serine/threonine kinase 11; plus strand), LOC130062899 (ATAC-STARR-seq lymphoblastoid active region 13597; plus strand). Cytogenetic location: 19p13.3.
Variant type: single nucleotide variant.
Coding change: c.1051G>T on transcript NM_000455.5 (MANE Select); coding-DNA position 1051, G replaced by T.
Protein change: p.Glu351Ter; replaces glutamic acid 351 with a stop codon.
Molecular consequence: nonsense. On other transcripts: non-coding transcript variant (1).
Genome position (GRCh38, 1-based): chr19:1,223,115, G>T. VCF-style: chr19-1223115-G-T. GRCh37 (hg19) VCF-style: chr19-1223114-G-T.
Other names: c.1051G>T, p.Glu351Ter (NM_001407255.1); short protein forms E351*.
Identifiers: ClinVar variation 3963250 (VCV003963250.1).

ClinVar aggregate classification (germline): Pathogenic (1 of 4 stars; one submission).

Conditions:
Hereditary cancer-predisposing syndrome. Also called: Tumor predisposition; Hereditary neoplastic syndrome; Hereditary Cancer Syndrome; Neoplastic Syndromes, Hereditary. Identifiers: Orphanet 140162, MedGen C0027672, MeSH D009386, MONDO:0015356.

Submission:

Ambry Genetics
Classification: Pathogenic for Hereditary cancer-predisposing syndrome. Last evaluated: 2025-03-19. Review status: criteria provided, single submitter. Criteria: Ambry Variant Classification Scheme 2023. Collection method: clinical testing. Allele origin: germline.
Comment: The p.E351* variant (also known as c.1051G>T), located in coding exon 8 of the STK11 gene, results from a G to T substitution at nucleotide position 1051. This changes the amino acid from a glutamic acid to a stop codon within coding exon 8. This variant is considered to be rare based on population cohorts in the Genome Aggregation Database (gnomAD). This alteration is expected to result in loss of function by premature protein truncation or nonsense-mediated mRNA decay. As such, this alteration is interpreted as a disease-causing mutation.